The following is an entry in ClinVar:

NM_017662.5(TRPM6):c.2810C>T (p.Ala937Val)

Gene: TRPM6 (transient receptor potential cation channel subfamily M member 6; minus strand). Cytogenetic location: 9q21.13.
Variant type: single nucleotide variant.
Coding change: c.2810C>T on transcript NM_017662.5 (MANE Select); coding-DNA position 2810, C replaced by T.
Protein change: p.Ala937Val; replaces alanine 937 with valine.
Molecular consequence: missense variant.
Genome position (GRCh38, 1-based): chr9:74,785,983, G>A on the plus strand (C>T on the coding strand, the complement: TRPM6 is on the minus strand). VCF-style: chr9-74785983-G-A. GRCh37 (hg19) VCF-style: chr9-77400899-G-A.
Other names: c.2795C>T, p.Ala932Val (NM_001177310.2, NM_001177311.2); c.2810C>T (NM_017662.4); short protein forms A932V, A937V.
Identifiers: ClinVar variation 2418420 (VCV002418420.6), dbSNP rs558534348, ClinGen allele CA5084445.

ClinVar aggregate classification (germline): Uncertain significance. Review status: criteria provided, multiple submitters, no conflicts (2 of 4 stars). 3 submissions from 3 submitters: Uncertain significance (3). Last evaluated 2025-12-15.

Conditions:
Inborn genetic diseases. Identifiers: MedGen C0950123, MeSH D030342.
Intestinal hypomagnesemia 1. Also called: HYPOMAGNESEMIA, INTESTINAL, WITH SECONDARY HYPOCALCEMIA; HYPOMAGNESEMIC TETANY. Identifiers: Orphanet 30924, MedGen C1865974, MONDO:0011176, OMIM 602014.

Allele frequency attached by ClinVar (database versions not stated): ExAC 0.00003; TOPMed 0.00004; gnomAD 0.00005.
gnomAD v4.1: 46 of 1,614,064 alleles (0.0028%); highest among the groups gnomAD compares: Admixed American, 0.015%; no homozygotes.

Submissions (3):

Ambry Genetics
Classification: Uncertain significance for Inborn genetic diseases. Last evaluated: 2025-12-15. Review status: criteria provided, single submitter. Criteria: Ambry Variant Classification Scheme 2023. Collection method: clinical testing. Allele origin: germline.

Fulgent Genetics
Classification: Uncertain significance for Intestinal hypomagnesemia 1. Last evaluated: 2024-06-11. Review status: criteria provided, single submitter. Criteria: ACMG Guidelines, 2015. Collection method: clinical testing. Allele origin: germline.

Labcorp Genetics (formerly Invitae), Labcorp
Classification: Uncertain significance. Last evaluated: 2022-02-08. Review status: criteria provided, single submitter. Criteria: Invitae Variant Classification Sherloc (09022015). Collection method: clinical testing. Allele origin: germline.
Comment: This sequence change replaces alanine, which is neutral and non-polar, with valine, which is neutral and non-polar, at codon 937 of the TRPM6 protein (p.Ala937Val). This variant is present in population databases (rs558534348, gnomAD 0.02%). This variant has not been reported in the literature in individuals affected with TRPM6-related conditions. Algorithms developed to predict the effect of missense changes on protein structure and function output the following: SIFT: "Tolerated"; PolyPhen-2: "Benign"; Align-GVGD: "Class C0". The valine amino acid residue is found in multiple mammalian species, which suggests that this missense change does not adversely affect protein function. In summary, the available evidence is currently insufficient to determine the role of this variant in disease. Therefore, it has been classified as a Variant of Uncertain Significance.